The following is an entry in ClinVar:

ClinVar aggregate classification (germline): Benign. Review status: criteria provided, multiple submitters, no conflicts (2 of 4 stars). 2 submissions from 2 submitters: Benign (2). Last evaluated 2018-06-14.

Allele frequency attached by ClinVar (database versions not stated): 1000 Genomes Project 0.20527; 1000 Genomes Project 30x 0.20612; TOPMed 0.29874; gnomAD 0.30667 and 0.31040; gnomAD exomes 0.35664.
gnomAD v4.1: 360,572 of 1,032,516 alleles (35%); highest among the groups gnomAD compares: Non-Finnish European, 40%; 68,005 homozygotes.

Submissions (2):

GeneDx
Classification: Benign. Last evaluated: 2018-06-14. Review status: criteria provided, single submitter. Criteria: GeneDx Variant Classification (06012015). Collection method: clinical testing. Allele origin: germline. Affected: yes.
Comment: This variant is considered likely benign or benign based on one or more of the following criteria: it is a conservative change, it occurs at a poorly conserved position in the protein, it is predicted to be benign by multiple in silico algorithms, and/or has population frequency not consistent with disease.

Breakthrough Genomics
Classification: Benign. Review status: criteria provided, single submitter. Criteria: ACMG Guidelines, 2015. Collection method: not provided. Allele origin: germline. Inheritance: Autosomal recessive inheritance. Affected: yes.

NM_001195263.2(PDZD7):c.928+110C>T

Gene: PDZD7 (PDZ domain containing 7; minus strand). Cytogenetic location: 10q24.31.
Variant type: single nucleotide variant.
Coding change: c.928+110C>T on transcript NM_001195263.2 (MANE Select); 110 bases into the intron after coding-DNA position 928, C replaced by T.
Molecular consequence: intron variant.
Genome position (GRCh38, 1-based): chr10:101,020,508, G>A on the plus strand (C>T on the coding strand, the complement: PDZD7 is on the minus strand). VCF-style: chr10-101020508-G-A. GRCh37 (hg19) VCF-style: chr10-102780265-G-A.
Other names: c.928+110C>T (NM_024895.5, NM_001351044.2).
Identifiers: ClinVar variation 671549 (VCV000671549.2), dbSNP rs7075659, ClinGen allele CA13250395.
Genomic context (GRCh38, chr10:101,020,508, plus strand): 5'-GACTGGTCTTGAACTCCTGTACTCAAGCGATCCTCCCACCTCAGCCTCCCAAAATGCTGG[G>A]ATTACAGGTGTAAGCCACCAAGCCTGGCCCTTTTCTTCTTCAGAGAGCCGGGCCCCACCC-3'